The following is an entry in ClinVar:

NM_006514.4(SCN10A):c.3009A>G (p.Glu1003=)

Genes: SCN10A (sodium voltage-gated channel alpha subunit 10; minus strand), LOC110121288 (VISTA enhancer hs2268; plus strand). Cytogenetic location: 3p22.2.
Variant type: single nucleotide variant.
Coding change: c.3009A>G on transcript NM_006514.4 (MANE Select); coding-DNA position 3009, A replaced by G.
Protein change: p.Glu1003=; no amino-acid change (glutamic acid 1003 retained).
Molecular consequence: synonymous variant.
Genome position (GRCh38, 1-based): chr3:38,726,684, T>C on the plus strand (A>G on the coding strand, the complement: SCN10A is on the minus strand). VCF-style: chr3-38726684-T-C. GRCh37 (hg19) VCF-style: chr3-38768175-T-C.
Other names: c.3009A>G, p.Glu1003= (NM_001293306.2); c.2715A>G, p.Glu905= (NM_001293307.2).
Identifiers: ClinVar variation 2448862 (VCV002448862.6), dbSNP rs1324200224, ClinGen allele CA433334333.

ClinVar aggregate classification (germline): Conflicting classifications of pathogenicity. Review status: criteria provided, conflicting classifications (1 of 4 stars). 2 submissions from 2 submitters: Uncertain significance (1); Likely benign (1). Last evaluated 2025-02-17.

Conditions:
Cardiovascular phenotype. Identifiers: MedGen CN230736.
Brugada syndrome. Also called: Sudden unexplained nocturnal death syndrome; Sudden unexpected nocturnal death syndrome; Sudden Unexplained Death Syndrome; Sudden Unexplained Nocturnal Death Syndrome (SUNDS). Identifiers: Orphanet 130, MedGen C1142166, MONDO:0015263.

Allele frequency attached by ClinVar (database versions not stated): TOPMed below 0.00001; gnomAD 0.00001.

Submissions (2):

Labcorp Genetics (formerly Invitae), Labcorp
Classification: Likely benign for Brugada syndrome. Last evaluated: 2025-02-17. Review status: criteria provided, single submitter. Criteria: Invitae Variant Classification Sherloc (09022015). Collection method: clinical testing. Allele origin: germline.

Ambry Genetics
Classification: Uncertain significance for Cardiovascular phenotype. Last evaluated: 2023-03-19. Review status: criteria provided, single submitter. Criteria: Ambry Variant Classification Scheme 2023. Collection method: clinical testing. Allele origin: germline.
Comment: The c.3009A>G variant (also known as p.E1003E), located in coding exon 16 of the SCN10A gene, results from an A to G substitution at nucleotide position 3009. This nucleotide substitution does not change the glutamic acid at codon 1003. This nucleotide position is not well conserved in available vertebrate species. In silico splice site analysis predicts that this alteration may result in the creation or strengthening of a novel splice donor site. The evidence for this gene-disease relationship is limited; therefore, the clinical significance of this alteration is unclear.